The following is an entry in ClinVar:

NM_015450.3(POT1):c.1203del (p.Gln402fs)

Gene: POT1 (protection of telomeres 1; minus strand). Cytogenetic location: 7q31.33.
Variant type: Deletion.
Coding change: c.1203del on transcript NM_015450.3 (MANE Select); coding-DNA position 1203, one base deleted (T; older notation c.1203delT).
Protein change: p.Gln402fs; shifts the reading frame from glutamine 402.
Molecular consequence: frameshift variant. On other transcripts: non-coding transcript variant (3).
Genome position (GRCh38, 1-based): chr7:124,841,139, A deleted on the plus strand (T on the coding strand, the reverse complement: POT1 is on the minus strand); the first of 5 consecutive A bases (chr7:124,841,139-124,841,143); deleting any one gives the same sequence. VCF-style (leftmost placement, unchanged base first): chr7-124841138-GA-G. GRCh37 (hg19) VCF-style: chr7-124481192-GA-G.
Other names: c.810del, p.Gln271fs (NM_001042594.2); short protein forms Q402fs, Q271fs.
Identifiers: ClinVar variation 4673620 (VCV004673620.1).

ClinVar aggregate classification (germline): Pathogenic (1 of 4 stars; one submission).

Conditions:
Hereditary cancer-predisposing syndrome. Also called: Neoplastic Syndromes, Hereditary; Tumor predisposition; Hereditary Cancer Syndrome; Hereditary neoplastic syndrome. Identifiers: Orphanet 140162, MedGen C0027672, MeSH D009386, MONDO:0015356.

Submission:

Ambry Genetics
Classification: Pathogenic for Hereditary cancer-predisposing syndrome. Last evaluated: 2025-10-29. Review status: criteria provided, single submitter. Criteria: Ambry Variant Classification Scheme 2023. Collection method: clinical testing. Allele origin: germline.
Comment: The c.1203delT pathogenic mutation, located in coding exon 10 of the POT1 gene, results from a deletion of one nucleotide at nucleotide position 1203, causing a translational frameshift with a predicted alternate stop codon (p.Q402Rfs*33). This variant is considered to be rare based on population cohorts in the Genome Aggregation Database (gnomAD). This alteration is expected to result in loss of function by premature protein truncation or nonsense-mediated mRNA decay. As such, this alteration is interpreted as a disease-causing mutation.